The following is an entry in ClinVar:

ClinVar aggregate classification (germline): Uncertain significance (1 of 4 stars; one submission).

Conditions:
Leukocyte adhesion deficiency 3. Also called: Leukocyte adhesion deficiency, type III; INTEGRIN ACTIVATION DEFICIENCY DISEASE; LEUKOCYTE ADHESION DEFICIENCY 1 VARIANT. Identifiers: Orphanet 2968, Orphanet 99844, MedGen C2748536, MONDO:0013016, OMIM 612840.

Allele frequency attached by ClinVar (database versions not stated): TOPMed 0.00001.

Submission:

Labcorp Genetics (formerly Invitae), Labcorp
Classification: Uncertain significance for Leukocyte adhesion deficiency 3. Last evaluated: 2022-07-16. Review status: criteria provided, single submitter. Criteria: Invitae Variant Classification Sherloc (09022015). Collection method: clinical testing. Allele origin: germline.
Comment: In summary, the available evidence is currently insufficient to determine the role of this variant in disease. Therefore, it has been classified as a Variant of Uncertain Significance. Algorithms developed to predict the effect of missense changes on protein structure and function are either unavailable or do not agree on the potential impact of this missense change (SIFT: "Deleterious"; PolyPhen-2: "Benign"; Align-GVGD: "Class C0"). This variant has not been reported in the literature in individuals affected with FERMT3-related conditions. This variant is not present in population databases (gnomAD no frequency). This sequence change replaces alanine, which is neutral and non-polar, with glycine, which is neutral and non-polar, at codon 451 of the FERMT3 protein (p.Ala451Gly).

NM_031471.6(FERMT3):c.1352C>G (p.Ala451Gly)

Gene: FERMT3 (FERM domain containing kindlin 3; plus strand). Cytogenetic location: 11q13.1.
Variant type: single nucleotide variant.
Coding change: c.1352C>G on transcript NM_031471.6 (MANE Select); coding-DNA position 1352, C replaced by G.
Protein change: p.Ala451Gly; replaces alanine 451 with glycine.
Molecular consequence: missense variant.
Genome position (GRCh38, 1-based): chr11:64,220,476, C>G. VCF-style: chr11-64220476-C-G. GRCh37 (hg19) VCF-style: chr11-63987948-C-G.
Other names: c.1352C>G, p.Ala451Gly (NM_001382361.1, NM_001382448.1); c.1364C>G, p.Ala455Gly (NM_001382362.1, NM_178443.3); c.812C>G, p.Ala271Gly (NM_001382363.1); c.824C>G, p.Ala275Gly (NM_001382364.1); short protein forms A271G, A275G, A451G, A455G.
Identifiers: ClinVar variation 1990866 (VCV001990866.4), dbSNP rs1321022635, ClinGen allele CA381087501.
Genomic context (GRCh38, chr11:64,220,476, plus strand): 5'-CCCTCACCCCTCTCGCCCAGGAGCAGCAGTATGCCCGCTGGATGGCTGGCTGCCGCCTGG[C>G]CTCCAAAGGCCGCACCATGGCCGACAGCAGCTACACCAGCGAGGTGCAGGCCATCCTGGC-3'
Protein context (NP_113659.3, residues 441-461): YARWMAGCRL[Ala451Gly]SKGRTMADSS